The following is an entry in ClinVar:

ClinVar aggregate classification (germline): Benign. Review status: criteria provided, multiple submitters, no conflicts (2 of 4 stars). 2 submissions from 2 submitters: Benign (2). Last evaluated 2024-10-29.

Conditions:
Fleck corneal dystrophy (CFD). Also called: CORNEAL DYSTROPHY, FRANCOIS-NEETENS SPECKLED OR FLECKED. Identifiers: Orphanet 98970, MedGen C1562113, MONDO:0007376, OMIM 121850.

Allele frequency attached by ClinVar (database versions not stated): gnomAD exomes 0.00054 and 0.00093; gnomAD 0.00068; TOPMed 0.00072; ExAC 0.00083; ESP Exome Variant Server 0.00085.
gnomAD v4.1: 936 of 1,613,620 alleles (0.058%); highest among the groups gnomAD compares: Middle Eastern, 0.18%; 7 homozygotes.

Submissions (2):

Labcorp Genetics (formerly Invitae), Labcorp
Classification: Benign. Last evaluated: 2024-10-29. Review status: criteria provided, single submitter. Criteria: Invitae Variant Classification Sherloc (09022015). Collection method: clinical testing. Allele origin: germline.

Illumina Laboratory Services, Illumina
Classification: Benign for Fleck corneal dystrophy. Last evaluated: 2018-01-13. Review status: criteria provided, single submitter. Criteria: ICSL Variant Classification Criteria 13 December 2019. Collection method: clinical testing. Allele origin: germline.
Comment: This variant was observed in the ICSL laboratory as part of a predisposition screen in an ostensibly healthy population. It had not been previously curated by ICSL or reported in the Human Gene Mutation Database (HGMD: prior to June 1st, 2018), and was therefore a candidate for classification through an automated scoring system. Utilizing variant allele frequency, disease prevalence and penetrance estimates, and inheritance mode, an automated score was calculated to assess if this variant is too frequent to cause the disease. Based on the score and internal cut-off values, a variant classified as benign is not then subjected to further curation. The score for this variant resulted in a classification of benign for this disease.

NM_015040.4(PIKFYVE):c.2895G>A (p.Ala965=)

Gene: PIKFYVE (phosphoinositide kinase, FYVE-type zinc finger containing; plus strand). Cytogenetic location: 2q34.
Variant type: single nucleotide variant.
Coding change: c.2895G>A on transcript NM_015040.4 (MANE Select); coding-DNA position 2895, G replaced by A.
Protein change: p.Ala965=; no amino-acid change (alanine 965 retained).
Molecular consequence: synonymous variant.
Genome position (GRCh38, 1-based): chr2:208,325,706, G>A. VCF-style: chr2-208325706-G-A. GRCh37 (hg19) VCF-style: chr2-209190430-G-A.
Identifiers: ClinVar variation 333908 (VCV000333908.11), dbSNP rs149763308, ClinGen allele CA2079951.
Genomic context (GRCh38, chr2:208,325,706, plus strand): 5'-TCTTCCGCAGGCTGTTGCCTCTGTGAAGCATCAAGAACATAGCACAACAGCTTGCCCGGC[G>A]GGTCTCCCTTGTGCTTTCTTTGCACCTGTACCGGAATCATTGTTGCCACTCCCTGTGGAT-3'
Protein context (NP_055855.2, residues 955-975): HQEHSTTACP[Ala965=]GLPCAFFAPV